The following is an entry in ClinVar:

ClinVar aggregate classification (germline): Pathogenic. Review status: criteria provided, multiple submitters, no conflicts (2 of 4 stars). 2 submissions from 2 submitters: Pathogenic (2). Last evaluated 2025-09-22.

Conditions:
Inborn genetic diseases. Identifiers: MedGen C0950123, MeSH D030342.
Multiple congenital exostosis (EXT). Also called: Multiple exostoses; Hereditary multiple osteochondromas; Hereditary multiple exostoses; Hereditary multiple exostosis; MULTIPLE CARTILAGINOUS EXOSTOSES; Multiple osteochondromas. Identifiers: Orphanet 321, MedGen C0015306, MONDO:0005508, HP:0002762.

Submissions (2):

Ambry Genetics
Classification: Pathogenic for Inborn genetic diseases. Last evaluated: 2025-09-22. Review status: criteria provided, single submitter. Criteria: Ambry Variant Classification Scheme 2023. Collection method: clinical testing. Allele origin: germline.
Comment: The c.2004delT (p.P669Qfs*4) alteration, located in exon 10 (coding exon 10) of the EXT1 gene, consists of a deletion of one nucleotide at position 2004, causing a translational frameshift with a predicted alternate stop codon after 4 amino acids. This variant is not expected to trigger nonsense-mediated mRNA decay, and impacts the last 10% of the protein. However, premature stop codons are typically deleterious in nature, the impacted region is critical for protein function, and a significant portion of the protein is affected (Ambry internal data). This variant was not reported in population-based cohorts in the Genome Aggregation Database (gnomAD). This variant was reported in individual(s) with features consistent with EXT1-related multiple osteochondromas (Jamsheer, 2014). Based on the available evidence, this alteration is classified as pathogenic.

Labcorp Genetics (formerly Invitae), Labcorp
Classification: Pathogenic for Multiple congenital exostosis. Last evaluated: 2022-07-05. Review status: criteria provided, single submitter. Criteria: Invitae Variant Classification Sherloc (09022015). Collection method: clinical testing. Allele origin: germline.
Comment: This premature translational stop signal has been observed in individual(s) with EXT1-related conditions (PMID: 24532482; Invitae). This sequence change creates a premature translational stop signal (p.Pro669Glnfs*4) in the EXT1 gene. While this is not anticipated to result in nonsense mediated decay, it is expected to disrupt the last 78 amino acid(s) of the EXT1 protein. This variant is not present in population databases (gnomAD no frequency). ClinVar contains an entry for this variant (Variation ID: 581676). This variant disrupts a region of the EXT1 protein in which other variant(s) (p.Arg701*) have been determined to be pathogenic (PMID: 11170095, 26690531). This suggests that this is a clinically significant region of the protein, and that variants that disrupt it are likely to be disease-causing. For these reasons, this variant has been classified as Pathogenic.

Literature cited by the submitters: PubMed 24532482 (cited by Ambry Genetics and Labcorp Genetics (formerly Invitae), Labcorp); PubMed 11170095 (cited by Labcorp Genetics (formerly Invitae), Labcorp); PubMed 26690531 (cited by Labcorp Genetics (formerly Invitae), Labcorp).

NM_000127.3(EXT1):c.2004del (p.Pro669fs)

Gene: EXT1 (exostosin glycosyltransferase 1; minus strand). Cytogenetic location: 8q24.11.
Variant type: Deletion.
Coding change: c.2004del on transcript NM_000127.3 (MANE Select); coding-DNA position 2004, one base deleted (T; older notation c.2004delT).
Protein change: p.Pro669fs; shifts the reading frame from proline 669.
Molecular consequence: frameshift variant.
Genome position (GRCh38, 1-based): chr8:117,804,773, A deleted on the plus strand (T on the coding strand, the reverse complement: EXT1 is on the minus strand). VCF-style (leftmost placement, unchanged base first): chr8-117804772-GA-G. GRCh37 (hg19) VCF-style: chr8-118817011-GA-G.
Other names: c.2004delT (NM_000127.2); short protein forms P669fs.
Identifiers: ClinVar variation 581676 (VCV000581676.7), dbSNP rs1563872934, ClinGen allele CA891843402.